The following is an entry in ClinVar:

NM_001387430.1(SH2B1):c.351G>T (p.Leu117=)

Gene: SH2B1 (SH2B adaptor protein 1; plus strand). Cytogenetic location: 16p11.2.
Variant type: single nucleotide variant.
Coding change: c.351G>T on transcript NM_001387430.1 (MANE Select); coding-DNA position 351, G replaced by T.
Protein change: p.Leu117=; no amino-acid change (leucine 117 retained).
Molecular consequence: synonymous variant. On other transcripts: intron variant (1).
Genome position (GRCh38, 1-based): chr16:28,866,445, G>T. VCF-style: chr16-28866445-G-T. GRCh37 (hg19) VCF-style: chr16-28877766-G-T.
Other names: c.351G>T, p.Leu117= (NM_001145795.2, NM_001145796.2, NM_001145797.2 and 4 more transcripts); c.-26-929G>T (NM_001308294.2).
Identifiers: ClinVar variation 4984714 (VCV004984714.1).

ClinVar aggregate classification (germline): Likely benign (1 of 4 stars; one submission).

Conditions:
SH2B1-related disorder. Also called: SH2B1-related condition.

gnomAD v4.1: 6 of 1,613,844 alleles (0.00037%); highest among the groups gnomAD compares: African/African-American, 0.008%; no homozygotes.

Submission:

PreventionGenetics, part of Exact Sciences
Classification: Likely benign for SH2B1-related condition. Last evaluated: 2025-07-19. Review status: criteria provided, single submitter. Criteria: ACMG Guidelines, 2015. Collection method: clinical testing. Allele origin: germline.
Comment: This variant is classified as likely benign based on ACMG/AMP sequence variant interpretation guidelines (Richards et al. 2015 PMID: 25741868, with internal and published modifications).